The following is an entry in ClinVar:

ClinVar aggregate classification (germline): Uncertain significance (1 of 4 stars; one submission).

gnomAD v4.1: 1 of 1,480,498 alleles (0.000068%); highest among the groups gnomAD compares: Non-Finnish European, 0.00009%; no homozygotes.

Submission:

GeneDx
Classification: Uncertain significance. Last evaluated: 2025-02-04. Review status: criteria provided, single submitter. Criteria: GeneDx Variant Classification Process June 2021. Collection method: clinical testing. Allele origin: germline. Affected: yes.
Comment: Not observed at significant frequency in large population cohorts (gnomAD); In silico analysis supports that this missense variant has a deleterious effect on protein structure/function; Has not been previously published as pathogenic or benign to our knowledge

NM_001287491.2(TET3):c.5345A>C (p.Tyr1782Ser)

Gene: TET3 (tet methylcytosine dioxygenase 3; plus strand). Cytogenetic location: 2p13.1.
Variant type: single nucleotide variant.
Coding change: c.5345A>C on transcript NM_001287491.2 (MANE Select); coding-DNA position 5345, A replaced by C.
Protein change: p.Tyr1782Ser; replaces tyrosine 1782 with serine.
Molecular consequence: missense variant.
Genome position (GRCh38, 1-based): chr2:74,102,133, A>C. VCF-style: chr2-74102133-A-C. GRCh37 (hg19) VCF-style: chr2-74329260-A-C.
Other names: c.5066A>C, p.Tyr1689Ser (NM_001366022.1); short protein forms Y1689S, Y1782S.
Identifiers: ClinVar variation 4074464 (VCV004074464.1).